The following is an entry in ClinVar:

NM_020433.5(JPH2):c.1477C>T (p.Gln493Ter)

Gene: JPH2 (junctophilin 2; minus strand). Cytogenetic location: 20q13.12.
Variant type: single nucleotide variant.
Coding change: c.1477C>T on transcript NM_020433.5 (MANE Select); coding-DNA position 1477, C replaced by T.
Protein change: p.Gln493Ter; replaces glutamine 493 with a stop codon.
Molecular consequence: nonsense.
Genome position (GRCh38, 1-based): chr20:44,116,198, G>A on the plus strand (C>T on the coding strand, the complement: JPH2 is on the minus strand). VCF-style: chr20-44116198-G-A. GRCh37 (hg19) VCF-style: chr20-42744838-G-A.
Other names: short protein forms Q493*.
Identifiers: ClinVar variation 863336 (VCV000863336.9), dbSNP rs2072190444, ClinGen allele CA409100549.

ClinVar aggregate classification (germline): Uncertain significance. Review status: criteria provided, multiple submitters, no conflicts (2 of 4 stars). 2 submissions from 2 submitters: Uncertain significance (2). Last evaluated 2022-11-22.

Conditions:
Hypertrophic cardiomyopathy. Also called: HYPERTROPHIC MYOCARDIOPATHY. Identifiers: Orphanet 217569, MedGen C0007194, MeSH D002312, MONDO:0005045, HP:0001639.
Cardiovascular phenotype. Identifiers: MedGen CN230736.

Submissions (2):

Labcorp Genetics (formerly Invitae), Labcorp
Classification: Uncertain significance for Hypertrophic cardiomyopathy. Last evaluated: 2022-11-22. Review status: criteria provided, single submitter. Criteria: Invitae Variant Classification Sherloc (09022015). Collection method: clinical testing. Allele origin: germline.
Comment: In summary, the available evidence is currently insufficient to determine the role of this variant in disease. Therefore, it has been classified as a Variant of Uncertain Significance. ClinVar contains an entry for this variant (Variation ID: 863336). This variant has not been reported in the literature in individuals affected with JPH2-related conditions. This variant is not present in population databases (gnomAD no frequency). This sequence change creates a premature translational stop signal (p.Gln493*) in the JPH2 gene. It is expected to result in an absent or disrupted protein product. However, the current clinical and genetic evidence is not sufficient to establish whether loss-of-function variants in JPH2 cause disease.

Ambry Genetics
Classification: Uncertain significance for Cardiovascular phenotype. Last evaluated: 2022-03-09. Review status: criteria provided, single submitter. Criteria: Ambry Variant Classification Scheme 2023. Collection method: clinical testing. Allele origin: germline.
Comment: The p.Q493* variant (also known as c.1477C>T), located in coding exon 4 of the JPH2 gene, results from a C to T substitution at nucleotide position 1477. This changes the amino acid from a glutamine to a stop codon within coding exon 4. This alteration is expected to result in loss of function by premature protein truncation or nonsense-mediated mRNA decay. Although biallelic loss of function alterations in JPH2 have been associated with autosomal recessive dilated cardiomyopathy, haploinsufficiency for JPH2 has not been clearly established as a mechanism of disease for autosomal dominant hypertrophic cardiomyopathy. Based on the supporting evidence, this variant is expected to be causative of autosomal recessive dilated cardiomyopathy when present along with a second pathogenic variant on the other allele; however, its clinical significance for autosomal dominant hypertrophic cardiomyopathy is unclear.